The following is an entry in ClinVar:

NM_001040142.2(SCN2A):c.5840A>C (p.Glu1947Ala)

Gene: SCN2A (sodium voltage-gated channel alpha subunit 2; plus strand). Cytogenetic location: 2q24.3.
Variant type: single nucleotide variant.
Coding change: c.5840A>C on transcript NM_001040142.2 (MANE Select); coding-DNA position 5840, A replaced by C.
Protein change: p.Glu1947Ala; replaces glutamic acid 1947 with alanine.
Molecular consequence: missense variant.
Genome position (GRCh38, 1-based): chr2:165,389,646, A>C. VCF-style: chr2-165389646-A-C. GRCh37 (hg19) VCF-style: chr2-166246156-A-C.
Other names: c.5840A>C, p.Glu1947Ala (NM_001040143.2, NM_001371246.1, NM_001371247.1 and 1 more transcripts); short protein forms E1947A.
Identifiers: ClinVar variation 1035516 (VCV001035516.9), dbSNP rs1702049382, ClinGen allele CA349040612.

ClinVar aggregate classification (germline): Uncertain significance (1 of 4 stars; one submission).

Conditions:
Developmental and epileptic encephalopathy, 11 (DEE11). Also called: Early infantile epileptic encephalopathy 11. Identifiers: Orphanet 1934, MedGen C3150987, MONDO:0013388, OMIM 613721.
Seizures, benign familial infantile, 3 (BFIS3). Also called: CONVULSIONS, BENIGN FAMILIAL INFANTILE, 3; Familial neonatal seizures. Identifiers: Orphanet 140927, Orphanet 306, MedGen C1843140, MONDO:0011904, OMIM 607745.

Allele frequency attached by ClinVar (database versions not stated): TOPMed below 0.00001.

Submission:

Labcorp Genetics (formerly Invitae), Labcorp
Classification: Uncertain significance for Seizures, benign familial infantile, 3; Developmental and epileptic encephalopathy, 11. Last evaluated: 2025-02-12. Review status: criteria provided, single submitter. Criteria: Invitae Variant Classification Sherloc (09022015). Collection method: clinical testing. Allele origin: germline.
Comment: This sequence change replaces glutamic acid, which is acidic and polar, with alanine, which is neutral and non-polar, at codon 1947 of the SCN2A protein (p.Glu1947Ala). This variant is not present in population databases (gnomAD no frequency). This variant has not been reported in the literature in individuals affected with SCN2A-related conditions. ClinVar contains an entry for this variant (Variation ID: 1035516). Invitae Evidence Modeling of protein sequence and biophysical properties (such as structural, functional, and spatial information, amino acid conservation, physicochemical variation, residue mobility, and thermodynamic stability) has been performed for this missense variant. However, the output from this modeling did not meet the statistical confidence thresholds required to predict the impact of this variant on SCN2A protein function. In summary, the available evidence is currently insufficient to determine the role of this variant in disease. Therefore, it has been classified as a Variant of Uncertain Significance.